The following is an entry in ClinVar:

ClinVar aggregate classification (germline): Uncertain significance (1 of 4 stars; one submission).

Submission:

Labcorp Genetics (formerly Invitae), Labcorp
Classification: Uncertain significance. Last evaluated: 2022-03-12. Review status: criteria provided, single submitter. Criteria: Invitae Variant Classification Sherloc (09022015). Collection method: clinical testing. Allele origin: germline.
Comment: This sequence change replaces methionine, which is neutral and non-polar, with threonine, which is neutral and polar, at codon 734 of the CTNNB1 protein (p.Met734Thr). This variant is not present in population databases (gnomAD no frequency). This variant has not been reported in the literature in individuals affected with CTNNB1-related conditions. Algorithms developed to predict the effect of missense changes on protein structure and function (SIFT, PolyPhen-2, Align-GVGD) all suggest that this variant is likely to be tolerated. In summary, the available evidence is currently insufficient to determine the role of this variant in disease. Therefore, it has been classified as a Variant of Uncertain Significance.

NM_001904.4(CTNNB1):c.2201T>C (p.Met734Thr)

Gene: CTNNB1 (catenin beta 1; plus strand). Cytogenetic location: 3p22.1.
Variant type: single nucleotide variant.
Coding change: c.2201T>C on transcript NM_001904.4 (MANE Select); coding-DNA position 2201, T replaced by C.
Protein change: p.Met734Thr; replaces methionine 734 with threonine.
Molecular consequence: missense variant.
Genome position (GRCh38, 1-based): chr3:41,239,197, T>C. VCF-style: chr3-41239197-T-C. GRCh37 (hg19) VCF-style: chr3-41280688-T-C.
Other names: c.2201T>C, p.Met734Thr (NM_001098209.2, NM_001098210.2); c.2180T>C, p.Met727Thr (NM_001330729.2); short protein forms M727T, M734T.
Identifiers: ClinVar variation 2109621 (VCV002109621.4), dbSNP rs2470864842, ClinGen allele CA352237384.